The following is an entry in ClinVar:

NM_003640.5(ELP1):c.2006C>A (p.Ser669Ter)

Gene: ELP1 (elongator acetyltransferase complex subunit 1; minus strand). Cytogenetic location: 9q31.3.
Variant type: single nucleotide variant.
Coding change: c.2006C>A on transcript NM_003640.5 (MANE Select); coding-DNA position 2006, C replaced by A.
Protein change: p.Ser669Ter; replaces serine 669 with a stop codon.
Molecular consequence: nonsense.
Genome position (GRCh38, 1-based): chr9:108,901,433, G>T on the plus strand (C>A on the coding strand, the complement: ELP1 is on the minus strand). VCF-style: chr9-108901433-G-T. GRCh37 (hg19) VCF-style: chr9-111663713-G-T.
Other names: c.2006C>A (LRG_251t1); c.1664C>A, p.Ser555Ter (NM_001318360.2); c.959C>A, p.Ser320Ter (NM_001330749.2); short protein forms S555*, S320*, S669*.
Identifiers: ClinVar variation 664647 (VCV000664647.8), dbSNP rs1587896788, ClinGen allele CA374423928.

ClinVar aggregate classification (germline): Pathogenic (1 of 4 stars; one submission).

Submission:

Labcorp Genetics (formerly Invitae), Labcorp
Classification: Pathogenic. Last evaluated: 2025-09-16. Review status: criteria provided, single submitter. Criteria: Invitae Variant Classification Sherloc (09022015). Collection method: clinical testing. Allele origin: germline.
Comment: This sequence change creates a premature translational stop signal (p.Ser669*) in the ELP1 gene. It is expected to result in an absent or disrupted protein product. Loss-of-function variants in ELP1 are known to be pathogenic (PMID: 18303054, 24173031). This variant is not present in population databases (gnomAD no frequency). This variant has not been reported in the literature in individuals affected with ELP1-related conditions. ClinVar contains an entry for this variant (Variation ID: 664647). Algorithms developed to predict the effect of sequence changes on RNA splicing suggest that this variant may disrupt the consensus splice site. For these reasons, this variant has been classified as Pathogenic.

Literature cited by the submitters: PubMed 18303054; PubMed 24173031.